The following is an entry in ClinVar:

ClinVar aggregate classification (germline): Uncertain significance (1 of 4 stars; one submission).

Conditions:
Syndromic multisystem autoimmune disease due to ITCH deficiency. Also called: AUTOIMMUNE DISEASE, MULTISYSTEM, WITH FACIAL DYSMORPHISM. Identifiers: Orphanet 228426, MedGen C3150649, MONDO:0013245, OMIM 613385.

Submission:

Labcorp Genetics (formerly Invitae), Labcorp
Classification: Uncertain significance for Syndromic multisystem autoimmune disease due to ITCH deficiency. Last evaluated: 2020-01-31. Review status: criteria provided, single submitter. Criteria: Invitae Variant Classification Sherloc (09022015). Collection method: clinical testing. Allele origin: germline.
Comment: In summary, the available evidence is currently insufficient to determine the role of this variant in disease. Therefore, it has been classified as a Variant of Uncertain Significance. Algorithms developed to predict the effect of missense changes on protein structure and function are either unavailable or do not agree on the potential impact of this missense change (SIFT: "Not Available"; PolyPhen-2: "Probably Damaging"; Align-GVGD: "Not Available"). This variant has not been reported in the literature in individuals with ITCH-related conditions. This variant is not present in population databases (ExAC no frequency). This sequence change replaces glutamic acid with aspartic acid at codon 661 of the ITCH protein (p.Glu661Asp). The glutamic acid residue is highly conserved and there is a small physicochemical difference between glutamic acid and aspartic acid.

NM_031483.7(ITCH):c.1983A>C (p.Glu661Asp)

Gene: ITCH (itchy E3 ubiquitin protein ligase; plus strand). Cytogenetic location: 20q11.22.
Variant type: single nucleotide variant.
Coding change: c.1983A>C on transcript NM_031483.7 (MANE Select); coding-DNA position 1983, A replaced by C.
Protein change: p.Glu661Asp; replaces glutamic acid 661 with aspartic acid.
Molecular consequence: missense variant.
Genome position (GRCh38, 1-based): chr20:34,481,096, A>C. VCF-style: chr20-34481096-A-C. GRCh37 (hg19) VCF-style: chr20-33068901-A-C.
Other names: c.2106A>C, p.Glu702Asp (NM_001257137.3, NM_001324197.2); c.1653A>C, p.Glu551Asp (NM_001257138.3); c.1983A>C, p.Glu661Asp (NM_001324198.2); short protein forms E661D, E551D, E702D.
Identifiers: ClinVar variation 1044669 (VCV001044669.7), dbSNP rs1988703941, ClinGen allele CA408670171.